The following is an entry in ClinVar:

ClinVar aggregate classification (germline): Uncertain significance (1 of 4 stars; one submission).

Conditions:
Hypertrophic cardiomyopathy. Also called: HYPERTROPHIC MYOCARDIOPATHY. Identifiers: Orphanet 217569, MedGen C0007194, MeSH D002312, MONDO:0005045, HP:0001639.

Allele frequency attached by ClinVar (database versions not stated): ExAC 0.00001; gnomAD 0.00002; TOPMed 0.00002.
gnomAD v4.1: 5 of 1,605,924 alleles (0.00031%); highest among the groups gnomAD compares: African/African-American, 0.0067%; no homozygotes.

Submission:

Labcorp Genetics (formerly Invitae), Labcorp
Classification: Uncertain significance for Hypertrophic cardiomyopathy. Last evaluated: 2022-07-29. Review status: criteria provided, single submitter. Criteria: Invitae Variant Classification Sherloc (09022015). Collection method: clinical testing. Allele origin: germline.
Comment: This sequence change replaces arginine, which is basic and polar, with serine, which is neutral and polar, at codon 1051 of the MYOM1 protein (p.Arg1051Ser). The frequency data for this variant in the population databases is considered unreliable, as metrics indicate poor data quality at this position in the gnomAD database. This variant has not been reported in the literature in individuals affected with MYOM1-related conditions. Algorithms developed to predict the effect of missense changes on protein structure and function are either unavailable or do not agree on the potential impact of this missense change (SIFT: "Deleterious"; PolyPhen-2: "Probably Damaging"; Align-GVGD: "Class C0"). In summary, the available evidence is currently insufficient to determine the role of this variant in disease. Therefore, it has been classified as a Variant of Uncertain Significance.

NM_003803.4(MYOM1):c.3153G>C (p.Arg1051Ser)

Gene: MYOM1 (myomesin 1; minus strand). Cytogenetic location: 18p11.31.
Variant type: single nucleotide variant.
Coding change: c.3153G>C on transcript NM_003803.4 (MANE Select); coding-DNA position 3153, G replaced by C.
Protein change: p.Arg1051Ser; replaces arginine 1051 with serine.
Molecular consequence: missense variant.
Genome position (GRCh38, 1-based): chr18:3,116,481, C>G on the plus strand (G>C on the coding strand, the complement: MYOM1 is on the minus strand). VCF-style: chr18-3116481-C-G. GRCh37 (hg19) VCF-style: chr18-3116479-C-G.
Other names: c.2865G>C, p.Arg955Ser (NM_019856.2); short protein forms R1051S, R955S.
Identifiers: ClinVar variation 2163040 (VCV002163040.4), dbSNP rs769808485, ClinGen allele CA8874393.